The following is an entry in ClinVar:

NM_001040108.2(MLH3):c.532C>G (p.Leu178Val)

Gene: MLH3 (mutL homolog 3; minus strand). Cytogenetic location: 14q24.3.
Variant type: single nucleotide variant.
Coding change: c.532C>G on transcript NM_001040108.2 (MANE Select); coding-DNA position 532, C replaced by G.
Protein change: p.Leu178Val; replaces leucine 178 with valine.
Molecular consequence: missense variant.
Genome position (GRCh38, 1-based): chr14:75,049,124, G>C on the plus strand (C>G on the coding strand, the complement: MLH3 is on the minus strand). VCF-style: chr14-75049124-G-C. GRCh37 (hg19) VCF-style: chr14-75515827-G-C.
Other names: c.532C>G, p.Leu178Val (NM_014381.3); short protein forms L178V.
Identifiers: ClinVar variation 1746865 (VCV001746865.3), dbSNP rs1892483144, ClinGen allele CA390449953.

ClinVar aggregate classification (germline): Uncertain significance. Review status: criteria provided, multiple submitters, no conflicts (2 of 4 stars). 2 submissions from 2 submitters: Uncertain significance (2). Last evaluated 2024-05-23.

Conditions:
Colorectal cancer. Also called: Malignant Colorectal Neoplasm; Colorectal cancer, somatic. Identifiers: MedGen C0346629, MONDO:0005575, OMIM 114500.
Endometrial carcinoma. Also called: Endometrial carcinoma, somatic. Identifiers: MedGen C0476089, MONDO:0002447, OMIM 608089, HP:0012114.
Colorectal cancer, hereditary nonpolyposis, type 7. Identifiers: Orphanet 144, MedGen C1858380, MONDO:0013725, OMIM 614385.

gnomAD v4.1: 5 of 1,614,180 alleles (0.00031%); highest among the groups gnomAD compares: Non-Finnish European, 0.00042%; no homozygotes.

Submissions (2):

Fulgent Genetics
Classification: Uncertain significance for Colorectal cancer; Endometrial carcinoma; Colorectal cancer, hereditary nonpolyposis, type 7. Last evaluated: 2024-05-23. Review status: criteria provided, single submitter. Criteria: ACMG Guidelines, 2015. Collection method: clinical testing. Allele origin: germline.

Ambry Genetics
Classification: Uncertain significance. Last evaluated: 2021-11-10. Review status: criteria provided, single submitter. Criteria: Ambry Variant Classification Scheme 2023. Collection method: clinical testing. Allele origin: germline.
Comment: The p.L178V variant (also known as c.532C>G), located in coding exon 1 of the MLH3 gene, results from a C to G substitution at nucleotide position 532. The leucine at codon 178 is replaced by valine, an amino acid with highly similar properties. This amino acid position is conserved. In addition, this alteration is predicted to be tolerated by in silico analysis. Since supporting evidence is limited at this time, the clinical significance of this alteration remains unclear.